The following is an entry in ClinVar:

NM_015898.4(ZBTB7A):c.926_940del (p.Pro309_Gly313del)

Gene: ZBTB7A (zinc finger and BTB domain containing 7A; minus strand). Cytogenetic location: 19p13.3.
Variant type: Deletion.
Coding change: c.926_940del on transcript NM_015898.4 (MANE Select); coding-DNA positions 926 to 940, 15 bases deleted (CCGACGTGGACGGGC).
Protein change: p.Pro309_Gly313del.
Genome position (GRCh38, 1-based): chr19:4,054,293-4,054,307, GCCCGTCCACGTCGG deleted on the plus strand (CCGACGTGGACGGGC on the coding strand, the reverse complement: ZBTB7A is on the minus strand); deleting any 15 consecutive bases within chr19:4,054,293-4,054,315 gives the same sequence; the c. name uses the placement nearest the transcript's 3' end. VCF-style (leftmost placement, unchanged base first): chr19-4054292-AGCCCGTCCACGTCGG-A. GRCh37 (hg19) VCF-style: chr19-4054290-AGCCCGTCCACGTCGG-A.
Other names: c.926_940del, p.Pro309_Gly313del (NM_001317990.2).
Identifiers: ClinVar variation 3572425 (VCV003572425.1).

ClinVar aggregate classification (germline): Uncertain significance (1 of 4 stars; one submission).

Submission:

GeneDx
Classification: Uncertain significance. Last evaluated: 2024-07-11. Review status: criteria provided, single submitter. Criteria: GeneDx Variant Classification Process June 2021. Collection method: clinical testing. Allele origin: germline. Affected: yes.
Comment: Not observed at significant frequency in large population cohorts (gnomAD); In-frame deletion of 5 amino acids in a non-repeat region; In silico analysis indicates that this variant does not alter protein structure/function; Has not been previously published as pathogenic or benign to our knowledge